The following is an entry in ClinVar:

NM_201253.3(CRB1):c.1778C>G (p.Ala593Gly)

Gene: CRB1 (crumbs cell polarity complex component 1; plus strand). Cytogenetic location: 1q31.3.
Variant type: single nucleotide variant.
Coding change: c.1778C>G on transcript NM_201253.3 (MANE Select); coding-DNA position 1778, C replaced by G.
Protein change: p.Ala593Gly; replaces alanine 593 with glycine.
Molecular consequence: missense variant. On other transcripts: non-coding transcript variant (1).
Genome position (GRCh38, 1-based): chr1:197,421,606, C>G. VCF-style: chr1-197421606-C-G. GRCh37 (hg19) VCF-style: chr1-197390736-C-G.
Other names: c.1442C>G, p.Ala481Gly (NM_001193640.2); c.1571C>G, p.Ala524Gly (NM_001257965.2); c.1778C>G, p.Ala593Gly (NM_001257966.2); short protein forms A593G, A481G, A524G.
Identifiers: ClinVar variation 1386826 (VCV001386826.5), dbSNP rs1447630642, ClinGen allele CA344032598.

ClinVar aggregate classification (germline): Uncertain significance (1 of 4 stars; one submission).

Conditions:
Leber congenital amaurosis 8 (LCA8). Identifiers: Orphanet 65, MedGen C3151202, MONDO:0013453, OMIM 613835.
Retinitis pigmentosa 12 (RP12). Also called: RP WITH OR WITHOUT PRESERVED PARAARTERIOLE RETINAL PIGMENT EPITHELIUM; RETINITIS PIGMENTOSA WITH OR WITHOUT PARAARTERIOLAR PRESERVATION OF RETINAL PIGMENT EPITHELIUM; RP WITH OR WITHOUT PPRPE. Identifiers: Orphanet 791, MedGen C1838647, MONDO:0010818, OMIM 600105.

gnomAD v4.1: 2 of 1,614,168 alleles (0.00012%); highest among the groups gnomAD compares: Admixed American, 0.0017%; no homozygotes.

Submission:

Labcorp Genetics (formerly Invitae), Labcorp
Classification: Uncertain significance for Leber congenital amaurosis 8; Retinitis pigmentosa 12. Last evaluated: 2025-02-06. Review status: criteria provided, single submitter. Criteria: Invitae Variant Classification Sherloc (09022015). Collection method: clinical testing. Allele origin: germline.
Comment: This sequence change replaces alanine, which is neutral and non-polar, with glycine, which is neutral and non-polar, at codon 593 of the CRB1 protein (p.Ala593Gly). This variant is not present in population databases (gnomAD no frequency). This variant has not been reported in the literature in individuals affected with CRB1-related conditions. ClinVar contains an entry for this variant (Variation ID: 1386826). Invitae Evidence Modeling of protein sequence and biophysical properties (such as structural, functional, and spatial information, amino acid conservation, physicochemical variation, residue mobility, and thermodynamic stability) has been performed for this missense variant. However, the output from this modeling did not meet the statistical confidence thresholds required to predict the impact of this variant on CRB1 protein function. In summary, the available evidence is currently insufficient to determine the role of this variant in disease. Therefore, it has been classified as a Variant of Uncertain Significance.